The following is an entry in ClinVar:

ClinVar aggregate classification (germline): Uncertain significance (1 of 4 stars; one submission).

Conditions:
Retinoblastoma (RB1). Also called: RETINOBLASTOMA, SOMATIC. Identifiers: Orphanet 790, MedGen C0035335, MeSH D012175, MONDO:0008380, OMIM 180200, HP:0009919. Disease mechanism: loss of function. Inheritance: Both sporadic and heritable forms are tested..

gnomAD v4.1: 20 of 1,469,660 alleles (0.0014%); highest among the groups gnomAD compares: South Asian, 0.024%; no homozygotes.

Submission:

Labcorp Genetics (formerly Invitae), Labcorp
Classification: Uncertain significance for Retinoblastoma. Last evaluated: 2025-02-12. Review status: criteria provided, single submitter. Criteria: Invitae Variant Classification Sherloc (09022015). Collection method: clinical testing. Allele origin: germline.
Comment: This variant occurs in a non-coding region of the RB1 gene. It does not change the encoded amino acid sequence of the RB1 protein. This variant is not present in population databases (gnomAD no frequency). This variant has not been reported in the literature in individuals affected with RB1-related conditions. In summary, the available evidence is currently insufficient to determine the role of this variant in disease. Therefore, it has been classified as a Variant of Uncertain Significance.

NM_000321.3(RB1):c.-89G>C

Gene: RB1 (RB transcriptional corepressor 1; plus strand). Cytogenetic location: 13q14.2.
Variant type: single nucleotide variant.
Coding change: c.-89G>C on transcript NM_000321.3 (MANE Select); 89 bases upstream of the start codon, G replaced by C.
Molecular consequence: 5 prime UTR variant.
Genome position (GRCh38, 1-based): chr13:48,303,824, G>C. VCF-style: chr13-48303824-G-C. GRCh37 (hg19) VCF-style: chr13-48877960-G-C.
Other names: c.-89G>C (NM_001407165.1, NM_001407166.1, NM_001407167.1).
Identifiers: ClinVar variation 3714316 (VCV003714316.2).